The following is an entry in ClinVar:

NM_005956.4(MTHFD1):c.877C>T (p.Arg293Cys)

Gene: MTHFD1 (methylenetetrahydrofolate dehydrogenase, cyclohydrolase and formyltetrahydrofolate synthetase 1; plus strand). Cytogenetic location: 14q23.3.
Variant type: single nucleotide variant.
Coding change: c.877C>T on transcript NM_005956.4 (MANE Select); coding-DNA position 877, C replaced by T.
Protein change: p.Arg293Cys; replaces arginine 293 with cysteine.
Molecular consequence: missense variant.
Genome position (GRCh38, 1-based): chr14:64,425,751, C>T. VCF-style: chr14-64425751-C-T. GRCh37 (hg19) VCF-style: chr14-64892469-C-T.
Other names: c.877C>T, p.Arg293Cys (NM_001364837.1); short protein forms R293C.
Identifiers: ClinVar variation 1991165 (VCV001991165.3), dbSNP rs763058728, ClinGen allele CA7226067.

ClinVar aggregate classification (germline): Uncertain significance. Review status: criteria provided, multiple submitters, no conflicts (2 of 4 stars). 2 submissions from 2 submitters: Uncertain significance (2). Last evaluated 2024-10-24.

Allele frequency attached by ClinVar (database versions not stated): ExAC 0.00002; TOPMed 0.00002; gnomAD 0.00003; gnomAD exomes 0.00004.
gnomAD v4.1: 61 of 1,612,702 alleles (0.0038%); highest among the groups gnomAD compares: Non-Finnish European, 0.0049%; no homozygotes.

Submissions (2):

Blueprint Genetics
Classification: Uncertain significance. Last evaluated: 2024-10-24. Review status: criteria provided, single submitter. Criteria: ACMG Guidelines, 2015. Collection method: clinical testing. Allele origin: germline.

Labcorp Genetics (formerly Invitae), Labcorp
Classification: Uncertain significance. Last evaluated: 2022-05-03. Review status: criteria provided, single submitter. Criteria: Invitae Variant Classification Sherloc (09022015). Collection method: clinical testing. Allele origin: germline.
Comment: This sequence change replaces arginine, which is basic and polar, with cysteine, which is neutral and slightly polar, at codon 293 of the MTHFD1 protein (p.Arg293Cys). This variant is present in population databases (rs763058728, gnomAD 0.005%). This variant has not been reported in the literature in individuals affected with MTHFD1-related conditions. Algorithms developed to predict the effect of missense changes on protein structure and function (SIFT, PolyPhen-2, Align-GVGD) all suggest that this variant is likely to be tolerated. In summary, the available evidence is currently insufficient to determine the role of this variant in disease. Therefore, it has been classified as a Variant of Uncertain Significance.